The following is an entry in ClinVar:

NM_000979.4(RPL18):c.478C>T (p.His160Tyr)

Gene: RPL18 (ribosomal protein L18; minus strand). Cytogenetic location: 19q13.33.
Variant type: single nucleotide variant.
Coding change: c.478C>T on transcript NM_000979.4 (MANE Select); coding-DNA position 478, C replaced by T.
Protein change: p.His160Tyr; replaces histidine 160 with tyrosine.
Molecular consequence: missense variant. On other transcripts: non-coding transcript variant (1).
Genome position (GRCh38, 1-based): chr19:48,615,890, G>A on the plus strand (C>T on the coding strand, the complement: RPL18 is on the minus strand). VCF-style: chr19-48615890-G-A. GRCh37 (hg19) VCF-style: chr19-49119147-G-A.
Other names: c.391C>T, p.His131Tyr (NM_001270490.2); short protein forms H160Y, H131Y.
Identifiers: ClinVar variation 2748833 (VCV002748833.3), dbSNP rs2513853652, ClinGen allele CA406730383.
Genomic context (GRCh38, chr19:48,615,890, plus strand): 5'-GCAGGCTGAGTCTGGGGAGAGGGCAGGGCTGGGGGCCTGATACTCACTTGGTGTGGCTGT[G>A]CGGGGTTCCTGGGGCCTTGCCGAAATGCCGGTACACCTCTCGGCCCTTGCGAGGACCTAG-3'
Protein context (NP_000970.1, residues 150-170): RHFGKAPGTP[His160Tyr]SHTKPYVRSK

ClinVar aggregate classification (germline): Uncertain significance (1 of 4 stars; one submission).

Submission:

Labcorp Genetics (formerly Invitae), Labcorp
Classification: Uncertain significance. Last evaluated: 2023-07-31. Review status: criteria provided, single submitter. Criteria: Invitae Variant Classification Sherloc (09022015). Collection method: clinical testing. Allele origin: germline.
Comment: An algorithm developed to predict the effect of missense changes on protein structure and function (PolyPhen-2) suggests that this variant is likely to be tolerated. This sequence change replaces histidine, which is basic and polar, with tyrosine, which is neutral and polar, at codon 160 of the RPL18 protein (p.His160Tyr). This variant is not present in population databases (gnomAD no frequency). This variant has not been reported in the literature in individuals affected with RPL18-related conditions. In summary, the available evidence is currently insufficient to determine the role of this variant in disease. Therefore, it has been classified as a Variant of Uncertain Significance.